The following is an entry in ClinVar:

NM_013339.4(ALG6):c.902+1G>A

Gene: ALG6 (ALG6 alpha-1,3-glucosyltransferase; plus strand). Cytogenetic location: 1p31.3.
Variant type: single nucleotide variant.
Coding change: c.902+1G>A on transcript NM_013339.4 (MANE Select); the canonical splice donor site of the intron after coding-DNA position 902, G replaced by A.
Molecular consequence: splice donor variant.
Genome position (GRCh38, 1-based): chr1:63,414,147, G>A. VCF-style: chr1-63414147-G-A. GRCh37 (hg19) VCF-style: chr1-63879818-G-A.
Identifiers: ClinVar variation 568368 (VCV000568368.12), dbSNP rs1036516188, ClinGen allele CA23807515.

ClinVar aggregate classification (germline): Likely pathogenic. Review status: criteria provided, multiple submitters, no conflicts (2 of 4 stars). 2 submissions from 2 submitters: Likely pathogenic (2). Last evaluated 2025-12-20.

Conditions:
ALG6-congenital disorder of glycosylation 1C (CDG1C). Also called: Congenital disorder of glycosylation, type Ic; CARBOHYDRATE-DEFICIENT GLYCOPROTEIN SYNDROME, TYPE I, WITH DEFICIENT GLYCOSYLATION OF DOLICHOL-LINKED OLIGOSACCHARIDE; CARBOHYDRATE-DEFICIENT GLYCOPROTEIN SYNDROME, TYPE V; Congenital disorder of glycosylation type 1C; CDG Ic. Identifiers: Orphanet 79320, MedGen C2930997, MONDO:0011291, OMIM 603147.

Allele frequency attached by ClinVar (database versions not stated): TOPMed 0.00003; gnomAD exomes below 0.00001; gnomAD 0.00003.
gnomAD v4.1: 11 of 1,590,896 alleles (0.00069%); highest among the groups gnomAD compares: African/African-American, 0.0013%; no homozygotes.

Submissions (2):

Labcorp Genetics (formerly Invitae), Labcorp
Classification: Likely pathogenic for ALG6-congenital disorder of glycosylation 1C. Last evaluated: 2025-12-20. Review status: criteria provided, single submitter. Criteria: Invitae Variant Classification Sherloc (09022015). Collection method: clinical testing. Allele origin: germline.
Comment: This sequence change affects a donor splice site in intron 10 of the ALG6 gene. It is expected to disrupt RNA splicing. Variants that disrupt the donor or acceptor splice site typically lead to a loss of protein function (PMID: 16199547), and loss-of-function variants in ALG6 are known to be pathogenic (PMID: 19862844). This variant is present in population databases (no rsID available, gnomAD 0.007%). This variant has not been reported in the literature in individuals affected with ALG6-related conditions. ClinVar contains an entry for this variant (Variation ID: 568368). Algorithms developed to predict the effect of sequence changes on RNA splicing suggest that this variant may disrupt the consensus splice site. In summary, the currently available evidence indicates that the variant is pathogenic, but additional data are needed to prove that conclusively. Therefore, this variant has been classified as Likely Pathogenic.

Natera, Inc.
Classification: Likely pathogenic for Congenital disorder of glycosylation type 1c. Last evaluated: 2025-06-30. Review status: criteria provided, single submitter. Criteria: Natera Variant Classification Schema (03/2026). Collection method: clinical testing. Allele origin: germline.
Comment: The c.902+1G>A variant in ALG6 is a canonical splice donor site variant predicted to affect pre-mRNA splicing, which may result in an abnormal transcript and altered protein product. This variant is expected to result in nonsense mediated decay, truncation, or a dysfunctional protein product. This variant is rare in the general population with a frequency below the threshold expected for the associated phenotype(s). Given the available evidence, this variant is classified as Likely Pathogenic.

Literature cited by the submitters: PubMed 16199547 (cited by Labcorp Genetics (formerly Invitae), Labcorp); PubMed 19862844 (cited by Labcorp Genetics (formerly Invitae), Labcorp).